The following is an entry in ClinVar:

NM_004136.4(IREB2):c.816C>G (p.Phe272Leu)

Gene: IREB2 (iron responsive element binding protein 2; plus strand). Cytogenetic location: 15q25.1.
Variant type: single nucleotide variant.
Coding change: c.816C>G on transcript NM_004136.4 (MANE Select); coding-DNA position 816, C replaced by G.
Protein change: p.Phe272Leu; replaces phenylalanine 272 with leucine.
Molecular consequence: missense variant.
Genome position (GRCh38, 1-based): chr15:78,471,857, C>G. VCF-style: chr15-78471857-C-G. GRCh37 (hg19) VCF-style: chr15-78764199-C-G.
Other names: c.66C>G, p.Phe22Leu (NM_001320941.2); c.645C>G, p.Phe215Leu (NM_001320942.2, NM_001354994.2); c.816C>G, p.Phe272Leu (NM_001320943.2); short protein forms F215L, F272L, F22L.
Identifiers: ClinVar variation 2084675 (VCV002084675.1), dbSNP rs376011164, ClinGen allele CA7682809.

ClinVar aggregate classification (germline): Uncertain significance (1 of 4 stars; one submission).

Allele frequency attached by ClinVar (database versions not stated): ExAC 0.00006; gnomAD 0.00007; TOPMed 0.00008; ESP Exome Variant Server 0.00015; gnomAD exomes 0.00017.
gnomAD v4.1: 263 of 1,613,564 alleles (0.016%); highest among the groups gnomAD compares: Non-Finnish European, 0.021%; no homozygotes.

Submission:

Labcorp Genetics (formerly Invitae), Labcorp
Classification: Uncertain significance. Last evaluated: 2022-08-10. Review status: criteria provided, single submitter. Criteria: Invitae Variant Classification Sherloc (09022015). Collection method: clinical testing. Allele origin: germline.
Comment: This sequence change replaces phenylalanine, which is neutral and non-polar, with leucine, which is neutral and non-polar, at codon 272 of the IREB2 protein (p.Phe272Leu). This variant is present in population databases (rs376011164, gnomAD 0.01%). This variant has not been reported in the literature in individuals affected with IREB2-related conditions. Algorithms developed to predict the effect of missense changes on protein structure and function are either unavailable or do not agree on the potential impact of this missense change (SIFT: "Not Available"; PolyPhen-2: "Benign"; Align-GVGD: "Not Available"). In summary, the available evidence is currently insufficient to determine the role of this variant in disease. Therefore, it has been classified as a Variant of Uncertain Significance.